The following is an entry in ClinVar:

NM_178857.6(RP1L1):c.2780C>A (p.Thr927Asn)

Gene: RP1L1 (RP1 like 1). Cytogenetic location: 8p23.1.
Variant type: single nucleotide variant.
Coding change: c.2780C>A on transcript NM_178857.6 (MANE Select); coding-DNA position 2780, C replaced by A.
Protein change: p.Thr927Asn; replaces threonine 927 with asparagine.
Molecular consequence: missense variant.
Genome position (GRCh38, 1-based): chr8:10,611,318, G>T on the plus strand (C>A on the coding strand, the complement: RP1L1 is on the minus strand). VCF-style: chr8-10611318-G-T. GRCh37 (hg19) VCF-style: chr8-10468828-G-T.
Other names: short protein forms T927N.
Identifiers: ClinVar variation 361334 (VCV000361334.6), dbSNP rs77230188, ClinGen allele CA4624709.

ClinVar aggregate classification (germline): Benign. Review status: criteria provided, multiple submitters, no conflicts (2 of 4 stars). 2 submissions from 2 submitters: Benign (2). Last evaluated 2018-01-12.

Conditions:
Occult macular dystrophy (OCMD). Also called: OMD; OCCULT MACULAR DYSTROPHY, SUSCEPTIBILITY TO. Identifiers: Orphanet 247834, MedGen C3150833, MONDO:0013316, OMIM 613587, HP:0030636.

Allele frequency attached by ClinVar (database versions not stated): gnomAD 0.01852; 1000 Genomes Project 0.01917; TOPMed 0.01937; ExAC 0.00545; ESP Exome Variant Server 0.01742; 1000 Genomes Project 30x 0.01780.
gnomAD v4.1: 5,226 of 1,612,812 alleles (0.32%); highest among the groups gnomAD compares: African/African-American, 5.9%; 147 homozygotes.

Submissions (2):

Illumina Laboratory Services, Illumina
Classification: Benign for Occult macular dystrophy. Last evaluated: 2018-01-12. Review status: criteria provided, single submitter. Criteria: ICSL Variant Classification Criteria 13 December 2019. Collection method: clinical testing. Allele origin: germline.
Comment: This variant was observed in the ICSL laboratory as part of a predisposition screen in an ostensibly healthy population. It had not been previously curated by ICSL or reported in the Human Gene Mutation Database (HGMD: prior to June 1st, 2018), and was therefore a candidate for classification through an automated scoring system. Utilizing variant allele frequency, disease prevalence and penetrance estimates, and inheritance mode, an automated score was calculated to assess if this variant is too frequent to cause the disease. Based on the score and internal cut-off values, a variant classified as benign is not then subjected to further curation. The score for this variant resulted in a classification of benign for this disease.

Breakthrough Genomics
Classification: Benign. Review status: criteria provided, single submitter. Criteria: ACMG Guidelines, 2015. Collection method: not provided. Allele origin: germline. Inheritance: Autosomal recessive inheritance. Affected: yes.